The following is an entry in ClinVar:

ClinVar aggregate classification (germline): Uncertain significance (1 of 4 stars; one submission).

Conditions:
Cardiovascular phenotype. Identifiers: MedGen CN230736.

Submission:

Ambry Genetics
Classification: Uncertain significance for Cardiovascular phenotype. Last evaluated: 2022-05-14. Review status: criteria provided, single submitter. Criteria: Ambry Variant Classification Scheme 2023. Collection method: clinical testing. Allele origin: germline.
Comment: The p.P3258A variant (also known as c.9772C>G), located in coding exon 28 of the TNXB gene, results from a C to G substitution at nucleotide position 9772. The proline at codon 3258 is replaced by alanine, an amino acid with highly similar properties. This amino acid position is conserved. In addition, this alteration is predicted to be tolerated by in silico analysis. Since supporting evidence is limited at this time, the clinical significance of this alteration remains unclear.

NM_001365276.2(TNXB):c.9778C>G (p.Pro3260Ala)

Gene: TNXB (tenascin XB; minus strand). Cytogenetic location: 6p21.33.
Variant type: single nucleotide variant.
Coding change: c.9778C>G on transcript NM_001365276.2 (MANE Select); coding-DNA position 9778, C replaced by G.
Protein change: p.Pro3260Ala; replaces proline 3260 with alanine.
Molecular consequence: missense variant.
Genome position (GRCh38, 1-based): chr6:32,048,630, G>C on the plus strand (C>G on the coding strand, the complement: TNXB is on the minus strand). VCF-style: chr6-32048630-G-C. GRCh37 (hg19) VCF-style: chr6-32016407-G-C.
Other names: c.9772C>G, p.Pro3258Ala (NM_019105.8); short protein forms P3258A, P3260A.
Identifiers: ClinVar variation 1768146 (VCV001768146.2), dbSNP rs1777060933, ClinGen allele CA363537140.